The following is an entry in ClinVar:

NM_000088.4(COL1A1):c.1082_1099dup (p.Arg361_Pro366dup)

Gene: COL1A1 (collagen type I alpha 1 chain; minus strand). Cytogenetic location: 17q21.33.
Variant type: Duplication.
Coding change: c.1082_1099dup on transcript NM_000088.4 (MANE Select); coding-DNA positions 1082 to 1099, 18 bases duplicated (GAGGCTCTGAAGGTCCCC).
Protein change: p.Arg361_Pro366dup.
Molecular consequence: inframe insertion.
Genome position (GRCh38, 1-based): chr17:50,195,623-50,195,640, GGGGACCTTCAGAGCCTC duplicated on the plus strand (GAGGCTCTGAAGGTCCCC on the coding strand, the reverse complement: COL1A1 is on the minus strand); duplicating any 18 consecutive bases within chr17:50,195,623-50,195,644 gives the same sequence; the c. name uses the placement nearest the transcript's 3' end. VCF-style (leftmost placement, unchanged base first): chr17-50195622-T-TGGGGACCTTCAGAGCCTC. GRCh37 (hg19) VCF-style: chr17-48272983-T-TGGGGACCTTCAGAGCCTC.
Identifiers: ClinVar variation 1333640 (VCV001333640.1), dbSNP rs2144577608, ClinGen allele CA2573054487.

ClinVar aggregate classification (germline): Uncertain significance (1 of 4 stars; one submission).

Conditions:
Osteogenesis imperfecta type III (OI3). Also called: Osteogenesis imperfecta type 3; OI type 3; Osteogenesis imperfecta, progressively deforming with normal sclerae; OI type III; Progressively Deforming Osteogenesis Imperfecta. Identifiers: Orphanet 216812, Orphanet 666, MedGen C0268362, MONDO:0009804, OMIM 259420.

Submission:

3billion
Classification: Uncertain significance for Osteogenesis imperfecta type III. Last evaluated: 2022-01-03. Review status: criteria provided, single submitter. Criteria: ACMG Guidelines, 2015. Collection method: clinical testing. Allele origin: germline. Affected: yes. Observed: 1 heterozygote.
Comment: Inframe insertion located in a nonrepeat region: predicted to change the length of the protein and disrupt normal protein function (PM4_M). It is not observed in the gnomAD v2.1.1 dataset (PM2_M).Therefore, this variant is classified as uncertain significance according to the recommendation of ACMG/AMP guideline.